The following is an entry in ClinVar:

ClinVar aggregate classification (germline): Uncertain significance (1 of 4 stars; one submission).

Allele frequency attached by ClinVar (database versions not stated): gnomAD 0.00002; TOPMed 0.00002.

Submission:

Labcorp Genetics (formerly Invitae), Labcorp
Classification: Uncertain significance. Last evaluated: 2022-10-05. Review status: criteria provided, single submitter. Criteria: Invitae Variant Classification Sherloc (09022015). Collection method: clinical testing. Allele origin: germline.
Comment: In summary, the available evidence is currently insufficient to determine the role of this variant in disease. Therefore, it has been classified as a Variant of Uncertain Significance. Advanced modeling of protein sequence and biophysical properties (such as structural, functional, and spatial information, amino acid conservation, physicochemical variation, residue mobility, and thermodynamic stability) performed at Invitae indicates that this missense variant is not expected to disrupt PYCR2 protein function. ClinVar contains an entry for this variant (Variation ID: 1366379). This variant has not been reported in the literature in individuals affected with PYCR2-related conditions. This variant is not present in population databases (gnomAD no frequency). This sequence change replaces glycine, which is neutral and non-polar, with alanine, which is neutral and non-polar, at codon 18 of the PYCR2 protein (p.Gly18Ala).

NM_013328.4(PYCR2):c.53G>C (p.Gly18Ala)

Gene: PYCR2 (pyrroline-5-carboxylate reductase 2; minus strand). Cytogenetic location: 1q42.12.
Variant type: single nucleotide variant.
Coding change: c.53G>C on transcript NM_013328.4 (MANE Select); coding-DNA position 53, G replaced by C.
Protein change: p.Gly18Ala; replaces glycine 18 with alanine.
Molecular consequence: missense variant.
Genome position (GRCh38, 1-based): chr1:225,924,058, C>G on the plus strand (G>C on the coding strand, the complement: PYCR2 is on the minus strand). VCF-style: chr1-225924058-C-G. GRCh37 (hg19) VCF-style: chr1-226111758-C-G.
Other names: c.53G>C, p.Gly18Ala (NM_001271681.2); short protein forms G18A.
Identifiers: ClinVar variation 1366379 (VCV001366379.6), dbSNP rs1438811892, ClinGen allele CA345009038.